The following is an entry in ClinVar:

ClinVar aggregate classification (germline): Conflicting classifications of pathogenicity. Review status: criteria provided, conflicting classifications (1 of 4 stars). 2 submissions from 2 submitters: Uncertain significance (1); Likely benign (1). Last evaluated 2025-06-29.

Allele frequency attached by ClinVar (database versions not stated): gnomAD 0.00001.

Submissions (2):

Labcorp Genetics (formerly Invitae), Labcorp
Classification: Likely benign. Last evaluated: 2025-06-29. Review status: criteria provided, single submitter. Criteria: Invitae Variant Classification Sherloc (09022015). Collection method: clinical testing. Allele origin: germline.

GeneDx
Classification: Uncertain significance. Last evaluated: 2019-06-04. Review status: criteria provided, single submitter. Criteria: GeneDx Variant Classification Process June 2021. Collection method: clinical testing. Allele origin: germline. Affected: yes.
Comment: In-silico analysis, which includes splice predictors and evolutionary conservation, is inconclusive as to whether the variant alters gene splicing. In the absence of RNA/functional studies, the actual effect of this sequence change is unknown.; Not observed in large population cohorts (Lek et al., 2016); Has not been previously published as pathogenic or benign to our knowledge

NM_001205293.3(CACNA1E):c.3719+6T>A

Gene: CACNA1E (calcium voltage-gated channel subunit alpha1 E; plus strand). Cytogenetic location: 1q25.3.
Variant type: single nucleotide variant.
Coding change: c.3719+6T>A on transcript NM_001205293.3 (MANE Select); 6 bases into the intron after coding-DNA position 3719, T replaced by A.
Molecular consequence: intron variant.
Genome position (GRCh38, 1-based): chr1:181,739,259, T>A. VCF-style: chr1-181739259-T-A. GRCh37 (hg19) VCF-style: chr1-181708395-T-A.
Other names: c.3719+6T>A (NM_000721.4); c.3662+6T>A (NM_001205294.2).
Identifiers: ClinVar variation 1305947 (VCV001305947.9), dbSNP rs1656338337, ClinGen allele CA343622503.
Genomic context (GRCh38, chr1:181,739,259, plus strand): 5'-GGAACATCCTGGACTTTGTGGTGGTCGTTGGCGCATTGGTGGCCTTTGCTCTGGCGTAAG[T>A]GACTCTTTTCATATTTGATTCCCTTCCTTCCCCTCTTCCTGGAGACTCCAGTTGATTTGA-3'